The following is an entry in ClinVar:

ClinVar aggregate classification (germline): Uncertain significance. Review status: criteria provided, multiple submitters, no conflicts (2 of 4 stars). 2 submissions from 2 submitters: Uncertain significance (2). Last evaluated 2024-12-12.

Conditions:
Oculofaciocardiodental syndrome (MCOPS2). Identifiers: Orphanet 2712, MedGen C1846265, MONDO:0010261, OMIM 300166.
Inborn genetic diseases. Identifiers: MedGen C0950123, MeSH D030342.

Submissions (2):

Labcorp Genetics (formerly Invitae), Labcorp
Classification: Uncertain significance for Oculofaciocardiodental syndrome. Last evaluated: 2024-12-12. Review status: criteria provided, single submitter. Criteria: Invitae Variant Classification Sherloc (09022015). Collection method: clinical testing. Allele origin: germline.
Comment: This sequence change replaces arginine, which is basic and polar, with cysteine, which is neutral and slightly polar, at codon 243 of the BCOR protein (p.Arg243Cys). This variant is present in population databases (no rsID available, gnomAD 0.004%). This variant has not been reported in the literature in individuals affected with BCOR-related conditions. An algorithm developed to predict the effect of missense changes on protein structure and function (PolyPhen-2) suggests that this variant is likely to be disruptive. In summary, the available evidence is currently insufficient to determine the role of this variant in disease. Therefore, it has been classified as a Variant of Uncertain Significance.

Ambry Genetics
Classification: Uncertain significance for Inborn genetic diseases. Last evaluated: 2024-10-29. Review status: criteria provided, single submitter. Criteria: Ambry Variant Classification Scheme 2023. Collection method: clinical testing. Allele origin: germline.

NM_001123385.2(BCOR):c.727C>T (p.Arg243Cys)

Genes: BCOR (BCL6 corepressor; minus strand), LOC126863239 (MED14-independent group 3 enhancer GRCh37_chrX:39932994-39934193; plus strand). Cytogenetic location: Xp11.4.
Variant type: single nucleotide variant.
Coding change: c.727C>T on transcript NM_001123385.2 (MANE Select); coding-DNA position 727, C replaced by T.
Protein change: p.Arg243Cys; replaces arginine 243 with cysteine.
Molecular consequence: missense variant.
Genome position (GRCh38, 1-based): chrX:40,074,619, G>A on the plus strand (C>T on the coding strand, the complement: BCOR is on the minus strand). VCF-style: chrX-40074619-G-A. GRCh37 (hg19) VCF-style: chrX-39933872-G-A.
Other names: c.727C>T, p.Arg243Cys (NM_001123383.2, NM_001123384.2, NM_017745.6); short protein forms R243C.
Identifiers: ClinVar variation 3480288 (VCV003480288.3).
Genomic context (GRCh38, chrX:40,074,619, plus strand): 5'-ATGCCAAGGACGATGGGATGTGGGGACCGACGTAGTGAGGTGGCGGCAGGTAGAGAAAGC[G>A]CTCCCCATTGGTGCAGACTGGAGAATACAGCGGCTGGGCCAAGCTGTAGGACTGCTGAGG-3'
Protein context (NP_001116857.1, residues 233-253): LYSPVCTNGE[Arg243Cys]FLYLPPPHYV